The following is an entry in ClinVar:

Conditions:
Breast-ovarian cancer, familial, susceptibility to, 1 (BROVCA1). Also called: BRCA1 Hereditary Breast and Ovarian Cancer; OVARIAN CANCER, SUSCEPTIBILITY TO. Identifiers: Orphanet 145, MedGen C2676676, MONDO:0011450, OMIM 604370. Disease mechanism: loss of function.

Submission:

Brotman Baty Institute, University of Washington
No classification provided (evidence only). Condition: Breast-ovarian cancer, familial 1. Review status: no classification provided. Collection method: in vitro. Allele origin: not applicable. Functional consequence: functionally_normal.
ClinVar note: "not provided" was previously submitted as the classification for the variant. However, the classification appeared to be based only on an observation of functional data so it was converted to no classification on 2025-07-30.

NM_007294.4(BRCA1):c.264A>T (p.Lys88Asn)

Gene: BRCA1 (BRCA1 DNA repair associated; minus strand). Cytogenetic location: 17q21.31.
Variant type: single nucleotide variant.
Coding change: c.264A>T on transcript NM_007294.4 (MANE Select); coding-DNA position 264, A replaced by T.
Protein change: p.Lys88Asn; replaces lysine 88 with asparagine.
Molecular consequence: missense variant. On other transcripts: non-coding transcript variant (1).
Genome position (GRCh38, 1-based): chr17:43,104,905, T>A on the plus strand (A>T on the coding strand, the complement: BRCA1 is on the minus strand). VCF-style: chr17-43104905-T-A. GRCh37 (hg19) VCF-style: chr17-41256922-T-A.
Other names: c.123A>T, p.Lys41Asn (NM_001408470.1, NM_001408496.1, NM_001408497.1 and 99 more transcripts); c.264A>T, p.Lys88Asn (NM_001408472.1, NM_001408473.1, NM_001408494.1 and 168 more transcripts); c.186A>T, p.Lys62Asn (NM_001408474.1, NM_001408475.1, NM_001408476.1 and 21 more transcripts); c.54A>T, p.Lys18Asn (NM_001408478.1, NM_001408479.1, NM_001408480.1 and 58 more transcripts); c.-118A>T (NM_001408510.1, NM_001408512.1, NM_001407959.1 and 4 more transcripts); c.132A>T, p.Lys44Asn (NM_001408451.1); short protein forms K41N, K88N, K18N, K44N, K62N.
Identifiers: ClinVar variation 868811 (VCV000868811.3), dbSNP rs2054681664, ClinGen allele CA10601626.